The following is an entry in ClinVar:

ClinVar aggregate classification (germline): Uncertain significance. Review status: criteria provided, multiple submitters, no conflicts (2 of 4 stars). 2 submissions from 2 submitters: Uncertain significance (2). Last evaluated 2025-04-28.

Conditions:
Inborn genetic diseases. Identifiers: MedGen C0950123, MeSH D030342.

gnomAD v4.1: 15 of 1,596,808 alleles (0.00094%); highest among the groups gnomAD compares: Admixed American, 0.022%; no homozygotes.

Submissions (2):

Ambry Genetics
Classification: Uncertain significance for Inborn genetic diseases. Last evaluated: 2025-04-28. Review status: criteria provided, single submitter. Criteria: Ambry Variant Classification Scheme 2023. Collection method: clinical testing. Allele origin: germline.

Labcorp Genetics (formerly Invitae), Labcorp
Classification: Uncertain significance. Last evaluated: 2022-09-16. Review status: criteria provided, single submitter. Criteria: Invitae Variant Classification Sherloc (09022015). Collection method: clinical testing. Allele origin: germline.
Comment: This sequence change replaces glutamic acid, which is acidic and polar, with aspartic acid, which is acidic and polar, at codon 248 of the SLC12A3 protein (p.Glu248Asp). This variant is present in population databases (rs753403903, gnomAD 0.02%). This variant has not been reported in the literature in individuals affected with SLC12A3-related conditions. Algorithms developed to predict the effect of missense changes on protein structure and function (SIFT, PolyPhen-2, Align-GVGD) all suggest that this variant is likely to be tolerated. In summary, the available evidence is currently insufficient to determine the role of this variant in disease. Therefore, it has been classified as a Variant of Uncertain Significance.

NM_001126108.2(SLC12A3):c.744G>T (p.Glu248Asp)

Gene: SLC12A3 (solute carrier family 12 member 3; plus strand). Cytogenetic location: 16q13.
Variant type: single nucleotide variant.
Coding change: c.744G>T on transcript NM_001126108.2 (MANE Select); coding-DNA position 744, G replaced by T.
Protein change: p.Glu248Asp; replaces glutamic acid 248 with aspartic acid.
Molecular consequence: missense variant.
Genome position (GRCh38, 1-based): chr16:56,870,628, G>T. VCF-style: chr16-56870628-G-T. GRCh37 (hg19) VCF-style: chr16-56904540-G-T.
Other names: c.744G>T, p.Glu248Asp (NM_000339.3); c.741G>T, p.Glu247Asp (NM_001126107.2, NM_001410896.1); c.744G>T (NM_000339.2); short protein forms E247D, E248D.
Identifiers: ClinVar variation 2168380 (VCV002168380.2), dbSNP rs753403903, ClinGen allele CA8069193.